The following is an entry in ClinVar:

ClinVar aggregate classification (germline): Uncertain significance (1 of 4 stars; one submission).

gnomAD v4.1: 1 of 1,613,958 alleles (0.000062%); highest among the groups gnomAD compares: Non-Finnish European, 0.000085%; no homozygotes.

Submission:

Labcorp Genetics (formerly Invitae), Labcorp
Classification: Uncertain significance. Last evaluated: 2025-07-03. Review status: criteria provided, single submitter. Criteria: Invitae Variant Classification Sherloc (09022015). Collection method: clinical testing. Allele origin: germline.
Comment: This sequence change replaces valine, which is neutral and non-polar, with isoleucine, which is neutral and non-polar, at codon 955 of the EMC1 protein (p.Val955Ile). This variant is not present in population databases (gnomAD no frequency). This variant has not been reported in the literature in individuals affected with EMC1-related conditions. Invitae Evidence Modeling of protein sequence and biophysical properties (such as structural, functional, and spatial information, amino acid conservation, physicochemical variation, residue mobility, and thermodynamic stability) indicates that this missense variant is not expected to disrupt EMC1 protein function with a negative predictive value of 80%. In summary, the available evidence is currently insufficient to determine the role of this variant in disease. Therefore, it has been classified as a Variant of Uncertain Significance.

NM_015047.3(EMC1):c.2863G>A (p.Val955Ile)

Genes: EMC1 (ER membrane protein complex subunit 1; minus strand), EMC1-AS1 (EMC1 antisense RNA 1; plus strand). Cytogenetic location: 1p36.13.
Variant type: single nucleotide variant.
Coding change: c.2863G>A on transcript NM_015047.3 (MANE Select); coding-DNA position 2863, G replaced by A.
Protein change: p.Val955Ile; replaces valine 955 with isoleucine.
Molecular consequence: missense variant.
Genome position (GRCh38, 1-based): chr1:19,219,422, C>T on the plus strand (G>A on the coding strand, the complement: EMC1 is on the minus strand). VCF-style: chr1-19219422-C-T. GRCh37 (hg19) VCF-style: chr1-19545916-C-T.
Other names: c.2860G>A, p.Val954Ile (NM_001271427.2, NM_001271428.2); c.2797G>A, p.Val933Ile (NM_001271429.2); c.2872G>A, p.Val958Ile (NM_001375820.1); c.2869G>A, p.Val957Ile (NM_001375821.1); short protein forms V933I, V957I, V954I, V955I, V958I.
Identifiers: ClinVar variation 4775947 (VCV004775947.1).